The following is an entry in ClinVar:

ClinVar aggregate classification (germline): Uncertain significance (1 of 4 stars; one submission).

Conditions:
Autosomal recessive limb-girdle muscular dystrophy type 2J (LGMDR10). Also called: Limb-girdle muscular dystrophy, type 2J; MUSCULAR DYSTROPHY, LIMB-GIRDLE, AUTOSOMAL RECESSIVE 10. Identifiers: Orphanet 140922, MedGen C1837342, MONDO:0012127, OMIM 608807.
Dilated cardiomyopathy 1G (CMD1G). Identifiers: Orphanet 154, MedGen C1858763, MONDO:0011400, OMIM 604145.

Allele frequency attached by ClinVar (database versions not stated): gnomAD exomes below 0.00001.
gnomAD v4.1: 1 of 1,593,044 alleles (0.000063%); highest among the groups gnomAD compares: Admixed American, 0.0018%; no homozygotes.

Submission:

Labcorp Genetics (formerly Invitae), Labcorp
Classification: Uncertain significance for Dilated cardiomyopathy 1G; Autosomal recessive limb-girdle muscular dystrophy type 2J. Last evaluated: 2022-08-07. Review status: criteria provided, single submitter. Criteria: Invitae Variant Classification Sherloc (09022015). Collection method: clinical testing. Allele origin: germline.
Comment: This sequence change falls in intron 296 of the TTN gene. It does not directly change the encoded amino acid sequence of the TTN protein. It affects a nucleotide within the consensus splice site. This variant is present in population databases (no rsID available, gnomAD 0.003%). This variant has not been reported in the literature in individuals affected with TTN-related conditions. Variants that disrupt the consensus splice site are a relatively common cause of aberrant splicing (PMID: 17576681, 9536098). Algorithms developed to predict the effect of sequence changes on RNA splicing suggest that this variant is not likely to affect RNA splicing. In summary, the available evidence is currently insufficient to determine the role of this variant in disease. Therefore, it has been classified as a Variant of Uncertain Significance.

Literature cited by the submitters: PubMed 17576681; PubMed 9536098.

NM_001267550.2(TTN):c.58150+4T>C

Genes: TTN (titin; minus strand), TTN-AS1 (TTN antisense RNA 1; plus strand). Cytogenetic location: 2q31.2.
Variant type: single nucleotide variant.
Coding change: c.58150+4T>C on transcript NM_001267550.2 (MANE Select); 4 bases into the intron after coding-DNA position 58150, T replaced by C.
Molecular consequence: intron variant.
Genome position (GRCh38, 1-based): chr2:178,594,340, A>G on the plus strand (T>C on the coding strand, the complement: TTN is on the minus strand). VCF-style: chr2-178594340-A-G. GRCh37 (hg19) VCF-style: chr2-179459067-A-G.
Other names: c.30955+4T>C (NM_003319.4); c.31531+4T>C (NM_133437.4); c.31330+4T>C (NM_133432.3); c.50446+4T>C (NM_133378.4); c.53227+4T>C (NM_001256850.1).
Identifiers: ClinVar variation 2022630 (VCV002022630.1), dbSNP rs1302006259, ClinGen allele CA538435635.